The following is an entry in ClinVar:

ClinVar aggregate classification (germline): Likely benign. Review status: criteria provided, multiple submitters, no conflicts (2 of 4 stars). 2 submissions from 2 submitters: Likely benign (2). Last evaluated 2024-10-16.

Conditions:
EGFR-related lung cancer (EGFR). Identifiers: MedGen CN130014.
Lung cancer. Also called: Malignant tumor of lung; Lung cancer, somatic. Identifiers: MedGen C0242379, MONDO:0008903, OMIM 211980.

gnomAD v4.1: 1 of 1,614,098 alleles (0.000062%); highest among the groups gnomAD compares: African/African-American, 0.0013%; no homozygotes.

Submissions (2):

Myriad Genetics, Inc.
Classification: Likely benign for Lung cancer. Last evaluated: 2024-10-16. Review status: criteria provided, single submitter. Criteria: Myriad Autosomal Dominant, Autosomal Recessive and X-Linked Classification Criteria (2023). Collection method: clinical testing. Allele origin: unknown.
Comment: This variant is considered likely benign. This variant is intronic and is not expected to impact mRNA splicing.

Labcorp Genetics (formerly Invitae), Labcorp
Classification: Likely benign for EGFR-related lung cancer. Last evaluated: 2023-08-01. Review status: criteria provided, single submitter. Criteria: Invitae Variant Classification Sherloc (09022015). Collection method: clinical testing. Allele origin: germline.

NM_005228.5(EGFR):c.2062-7C>T

Gene: EGFR (epidermal growth factor receptor; plus strand). Cytogenetic location: 7p11.2.
Variant type: single nucleotide variant.
Coding change: c.2062-7C>T on transcript NM_005228.5 (MANE Select); 7 bases into the intron before coding-DNA position 2062, C replaced by T.
Molecular consequence: intron variant.
Genome position (GRCh38, 1-based): chr7:55,173,914, C>T. VCF-style: chr7-55173914-C-T. GRCh37 (hg19) VCF-style: chr7-55241607-C-T.
Other names: c.1927-7C>T (NM_001346899.2, NM_001346897.2); c.1261-7C>T (NM_001346941.2); c.2062-7C>T (NM_001346898.2); c.1903-7C>T (NM_001346900.2).
Identifiers: ClinVar variation 2888575 (VCV002888575.4), dbSNP rs184220351, ClinGen allele CA1101517894.
Genomic context (GRCh38, chr7:55,173,914, plus strand): 5'-CTGGCACTGCTTTCCAGCATGGTGAGGGCTGAGGTGACCCTTGTCTCTGTGTTCTTGTCC[C>T]CCCCAGCTTGTGGAGCCTCTTACACCCAGTGGAGAAGCTCCCAACCAAGCTCTCTTGAGG-3'